The following is an entry in ClinVar:

NM_001123385.2(BCOR):c.3053G>A (p.Arg1018His)

Gene: BCOR (BCL6 corepressor; minus strand). Cytogenetic location: Xp11.4.
Variant type: single nucleotide variant.
Coding change: c.3053G>A on transcript NM_001123385.2 (MANE Select); coding-DNA position 3053, G replaced by A.
Protein change: p.Arg1018His; replaces arginine 1018 with histidine.
Molecular consequence: missense variant.
Genome position (GRCh38, 1-based): chrX:40,071,158, C>T on the plus strand (G>A on the coding strand, the complement: BCOR is on the minus strand). VCF-style: chrX-40071158-C-T. GRCh37 (hg19) VCF-style: chrX-39930411-C-T.
Other names: c.3053G>A, p.Arg1018His (NM_001123383.2, NM_017745.6); c.2999G>A, p.Arg1000His (NM_001123384.2); short protein forms R1000H, R1018H.
Identifiers: ClinVar variation 1307514 (VCV001307514.3), dbSNP rs751015767, ClinGen allele CA10386698.

ClinVar aggregate classification (germline): Uncertain significance (1 of 4 stars; one submission).

Allele frequency attached by ClinVar (database versions not stated): gnomAD exomes below 0.00001.
gnomAD v4.1: 1 of 1,195,162 alleles (0.000084%); highest among the groups gnomAD compares: South Asian, 0.0018%; no homozygotes.

Submission:

GeneDx
Classification: Uncertain significance. Last evaluated: 2022-04-20. Review status: criteria provided, single submitter. Criteria: GeneDx Variant Classification Process June 2021. Collection method: clinical testing. Allele origin: germline. Affected: yes.
Comment: Has not been previously published as pathogenic or benign to our knowledge; Adequate data is not available in large population cohorts to assess the frequency of this variant in publicly available databases; however, this variant has not been detected in presumably healthy individuals tested at GeneDx; In silico analysis supports that this missense variant has a deleterious effect on protein structure/function